The following is an entry in ClinVar:

NM_033028.5(BBS4):c.332+8T>C

Gene: BBS4 (Bardet-Biedl syndrome 4; plus strand). Cytogenetic location: 15q24.1.
Variant type: single nucleotide variant.
Coding change: c.332+8T>C on transcript NM_033028.5 (MANE Select); 8 bases into the intron after coding-DNA position 332, T replaced by C.
Molecular consequence: intron variant.
Genome position (GRCh38, 1-based): chr15:72,715,410, T>C. VCF-style: chr15-72715410-T-C. GRCh37 (hg19) VCF-style: chr15-73007751-T-C.
Other names: c.332+8T>C (NM_001320665.2, NM_033028.4); c.-190+8T>C (NM_001252678.2).
Identifiers: ClinVar variation 1606564 (VCV001606564.13), dbSNP rs1456405256, ClinGen allele CA618764745.
Genomic context (GRCh38, chr15:72,715,410, plus strand): 5'-GCAGTTCTTAGTCCTCAGAGTGCTGATAACCTCAAGCAGGTGGCCAGATCTTTGTGAGTA[T>C]TGGCAACCTGGAGGCCCTAGGGCACTCACAGAGAACAGTGTAAAATGCATTCCTAGGTCC-3'

ClinVar aggregate classification (germline): Pathogenic/Likely pathogenic. Review status: criteria provided, multiple submitters, no conflicts (2 of 4 stars). 5 submissions from 5 submitters: Pathogenic (2); Likely pathogenic (2). 1 of the submissions does not count toward it. Last evaluated 2025-12-13.

Conditions:
Bardet-Biedl syndrome (BBS). Identifiers: Orphanet 110, MedGen C0752166, MONDO:0015229.
Bardet-Biedl syndrome 1 (BBS1). Identifiers: MedGen C2936862, MONDO:0008854, OMIM 209900. Disease mechanism: loss of function.
BBS4-related disorder. Also called: BBS4-related condition.

Allele frequency attached by ClinVar (database versions not stated): gnomAD exomes below 0.00001 and 0.00001; gnomAD 0.00001; TOPMed 0.00002.
gnomAD v4.1: 9 of 1,595,892 alleles (0.00056%); highest among the groups gnomAD compares: African/African-American, 0.0013%; no homozygotes.

Submissions (5):

PreventionGenetics, part of Exact Sciences
Classification: Likely pathogenic for BBS4-related condition. Last evaluated: 2025-12-13. Review status: criteria provided, single submitter. Criteria: ACMG Guidelines, 2015. Collection method: clinical testing. Allele origin: germline.
Comment: The BBS4 c.332+8T>C variant is predicted to interfere with splicing. This variant has been reported in trans with a pathogenic deletion of BBS4 exons 3 and 4 in an individual with Bardet-Biedl syndrome (Khan et al. 2023. PubMed ID: 37293956). Functional analysis of this splice variant determined the c.332+8T>C alteration leads to impaired mRNA splicing and exon 5 skipping, resulting in a frameshift and protein truncation (determined to be p.Ala74Aspfs*7 in Khan et al. 2023. PubMed ID: 37293956). This variant is reported in 0.00088% of alleles in individuals of European (Non-Finnish) descent in gnomAD and is classified as pathogenic by multiple submitters in ClinVar (Variation ID: 1606564). Taken together, we interpret this variant as likely pathogenic.

Labcorp Genetics (formerly Invitae), Labcorp
Classification: Pathogenic for Bardet-Biedl syndrome. Last evaluated: 2025-08-20. Review status: criteria provided, single submitter. Criteria: Invitae Variant Classification Sherloc (09022015). Collection method: clinical testing. Allele origin: germline.
Comment: This sequence change falls in intron 5 of the BBS4 gene. It does not directly change the encoded amino acid sequence of the BBS4 protein. RNA analysis indicates that this variant induces altered splicing and may result in an absent or altered protein product. This variant is present in population databases (no rsID available, gnomAD 0.0009%). This variant has been observed in individual(s) with Bardet-Biedl syndrome and/or retinitis pigmentosa (PMID: 37293956; internal data). In at least one individual the data is consistent with being in trans (on the opposite chromosome) from a pathogenic variant. ClinVar contains an entry for this variant (Variation ID: 1606564). Studies have shown that this variant results in skipping of exon 5, and produces a non-functional protein and/or introduces a premature termination codon (PMID: 37293956). For these reasons, this variant has been classified as Pathogenic.

GeneDx
Classification: Pathogenic. Last evaluated: 2025-01-13. Review status: criteria provided, single submitter. Criteria: GeneDx Variant Classification Process June 2021. Collection method: clinical testing. Allele origin: germline. Affected: yes.
Comment: Non-canonical splice site variant demonstrated to result in loss of function (PMID: 37293956); In silico analysis indicates that this variant does not alter splicing; Not observed at significant frequency in large population cohorts (gnomAD); This variant is associated with the following publications: (PMID: 37293956)

Blueprint Genetics
Classification: Likely pathogenic for BBS4-related disorders. Last evaluated: 2022-09-14. Review status: criteria provided, single submitter. Criteria: ACMG Guidelines, 2015. Collection method: clinical testing. Allele origin: germline. Affected: yes. Observed: 4 variant alleles.

Advanced Center For Translational And Genetic Medicine, Ann & Robert H. Lurie Children's Hospital Of Chicago
Classification: Pathogenic for Bardet-Biedl syndrome 1. Last evaluated: 2023-05-10. Review status: no assertion criteria provided. Collection method: research. Allele origin: paternal, not applicable. Affected: yes. Observed: 1 compound heterozygote. Not counted in ClinVar's aggregate classification.

Literature cited by the submitters: PubMed 37293956 (cited by Labcorp Genetics (formerly Invitae), Labcorp).